The following is an entry in ClinVar:

ClinVar aggregate classification (germline): Pathogenic/Likely pathogenic. Review status: criteria provided, multiple submitters, no conflicts (2 of 4 stars). 2 submissions from 2 submitters: Pathogenic (1); Likely pathogenic (1). Last evaluated 2024-05-04.

Conditions:
Retinitis pigmentosa 62 (RP62). Identifiers: Orphanet 791, MedGen C3280042, MONDO:0013611, OMIM 614181.

Submissions (2):

Fulgent Genetics
Classification: Likely pathogenic for Retinitis pigmentosa 62. Last evaluated: 2024-05-04. Review status: criteria provided, single submitter. Criteria: ACMG Guidelines, 2015. Collection method: clinical testing. Allele origin: germline.

Labcorp Genetics (formerly Invitae), Labcorp
Classification: Pathogenic. Last evaluated: 2024-02-02. Review status: criteria provided, single submitter. Criteria: Invitae Variant Classification Sherloc (09022015). Collection method: clinical testing. Allele origin: germline.
Comment: This sequence change creates a premature translational stop signal (p.Leu132Profs*13) in the MAK gene. It is expected to result in an absent or disrupted protein product. Loss-of-function variants in MAK are known to be pathogenic (PMID: 21148103, 21825139, 24938718, 29781741). This variant is present in population databases (rs760171531, gnomAD 0.005%). This variant has not been reported in the literature in individuals affected with MAK-related conditions. ClinVar contains an entry for this variant (Variation ID: 1976258). Algorithms developed to predict the effect of sequence changes on RNA splicing suggest that this variant may disrupt the consensus splice site. For these reasons, this variant has been classified as Pathogenic.

Literature cited by the submitters: PubMed 21148103 (cited by Labcorp Genetics (formerly Invitae), Labcorp); PubMed 21825139 (cited by Labcorp Genetics (formerly Invitae), Labcorp); PubMed 24938718 (cited by Labcorp Genetics (formerly Invitae), Labcorp); PubMed 29781741 (cited by Labcorp Genetics (formerly Invitae), Labcorp).

NM_001242957.3(MAK):c.394_395insCTTC (p.Leu132fs)

Gene: MAK (male germ cell associated kinase; minus strand). Cytogenetic location: 6p24.2.
Variant type: Insertion.
Coding change: c.394_395insCTTC on transcript NM_001242957.3 (MANE Select); coding-DNA positions 394 to 395, CTTC inserted.
Protein change: p.Leu132fs; shifts the reading frame from leucine 132.
Molecular consequence: frameshift variant. On other transcripts: non-coding transcript variant (2).
Genome position: GRCh38 VCF-style: chr6-10808906-A-AGAAG. GRCh37 (hg19) VCF-style: chr6-10809139-A-AGAAG.
Other names: c.394_395insCTTC, p.Leu132fs (NM_001242385.2, NM_005906.6); c.292_293insCTTC, p.Leu98fs (NM_001377262.1); short protein forms L132fs, L98fs.
Identifiers: ClinVar variation 1976258 (VCV001976258.6), dbSNP rs760171531, ClinGen allele CA3633732.